The following is an entry in ClinVar:

NM_002734.5(PRKAR1A):c.731A>G (p.Lys244Arg)

Gene: PRKAR1A (protein kinase cAMP-dependent type I regulatory subunit alpha; plus strand). Cytogenetic location: 17q24.2.
Variant type: single nucleotide variant.
Coding change: c.731A>G on transcript NM_002734.5 (MANE Select); coding-DNA position 731, A replaced by G.
Protein change: p.Lys244Arg; replaces lysine 244 with arginine.
Molecular consequence: missense variant.
Genome position (GRCh38, 1-based): chr17:68,527,862, A>G. VCF-style: chr17-68527862-A-G. GRCh37 (hg19) VCF-style: chr17-66524003-A-G.
Other names: c.731A>G, p.Lys244Arg (NM_001276289.2, NM_001276290.1, NM_001278433.2 and 4 more transcripts); short protein forms K244R.
Identifiers: ClinVar variation 4709596 (VCV004709596.1).
Genomic context (GRCh38, chr17:68,527,862, plus strand): 5'-CGTCTTGGGGATATCACTTTTGTTATTTTTATTTTTAGGGAAGCACACTGAGAAAGCGGA[A>G]GATGTATGAGGAATTCCTTAGTAAAGTCTCTATTTTAGGTGAGTTGTAAAGTGTGTTAAC-3'
Protein context (NP_002725.1, residues 234-254): ILMGSTLRKR[Lys244Arg]MYEEFLSKVS

ClinVar aggregate classification (germline): Uncertain significance (1 of 4 stars; one submission).

Conditions:
Carney complex, type 1 (CNC1). Also called: CARNEY COMPLEX, TYPE I; CARNEY MYXOMA-ENDOCRINE COMPLEX. Identifiers: Orphanet 1359, MedGen C2607929, MONDO:0008057, OMIM 160980.

gnomAD v4.1: 2 of 1,612,406 alleles (0.00012%); highest among the groups gnomAD compares: South Asian, 0.0022%; no homozygotes.

Submission:

Labcorp Genetics (formerly Invitae), Labcorp
Classification: Uncertain significance for Carney complex, type 1. Last evaluated: 2025-02-13. Review status: criteria provided, single submitter. Criteria: Invitae Variant Classification Sherloc (09022015). Collection method: clinical testing. Allele origin: germline.
Comment: This sequence change replaces lysine, which is basic and polar, with arginine, which is basic and polar, at codon 244 of the PRKAR1A protein (p.Lys244Arg). This variant is not present in population databases (gnomAD no frequency). This variant has not been reported in the literature in individuals affected with PRKAR1A-related conditions. Invitae Evidence Modeling of protein sequence and biophysical properties (such as structural, functional, and spatial information, amino acid conservation, physicochemical variation, residue mobility, and thermodynamic stability) indicates that this missense variant is not expected to disrupt PRKAR1A protein function with a negative predictive value of 95%. In summary, the available evidence is currently insufficient to determine the role of this variant in disease. Therefore, it has been classified as a Variant of Uncertain Significance.